The following is an entry in ClinVar:

NM_004064.5(CDKN1B):c.149G>A (p.Arg50Lys)

Gene: CDKN1B (cyclin dependent kinase inhibitor 1B; plus strand). Cytogenetic location: 12p13.1.
Variant type: single nucleotide variant.
Coding change: c.149G>A on transcript NM_004064.5 (MANE Select); coding-DNA position 149, G replaced by A.
Protein change: p.Arg50Lys; replaces arginine 50 with lysine.
Molecular consequence: missense variant.
Genome position (GRCh38, 1-based): chr12:12,717,988, G>A. VCF-style: chr12-12717988-G-A. GRCh37 (hg19) VCF-style: chr12-12870922-G-A.
Other names: short protein forms R50K.
Identifiers: ClinVar variation 485500 (VCV000485500.24), dbSNP rs771913043, ClinGen allele CA6457393.

ClinVar aggregate classification (germline): Conflicting classifications of pathogenicity. Review status: criteria provided, conflicting classifications (1 of 4 stars). 5 submissions from 5 submitters: Uncertain significance (4); Likely benign (1). Last evaluated 2026-01-26.

Conditions:
Hereditary cancer-predisposing syndrome. Also called: Hereditary neoplastic syndrome; Neoplastic Syndromes, Hereditary; Tumor predisposition; Hereditary Cancer Syndrome. Identifiers: Orphanet 140162, MedGen C0027672, MeSH D009386, MONDO:0015356.
Multiple endocrine neoplasia type 4. Also called: MULTIPLE ENDOCRINE NEOPLASIA, TYPE IV. Identifiers: Orphanet 276152, MedGen C1970712, MONDO:0012552, OMIM 610755.

Allele frequency attached by ClinVar (database versions not stated): gnomAD exomes below 0.00001 and 0.00001; ExAC 0.00001; gnomAD 0.00001; TOPMed 0.00001.

Submissions (5):

Labcorp Genetics (formerly Invitae), Labcorp
Classification: Uncertain significance for Multiple endocrine neoplasia type 4. Last evaluated: 2026-01-26. Review status: criteria provided, single submitter. Criteria: Invitae Variant Classification Sherloc (09022015). Collection method: clinical testing. Allele origin: germline.
Comment: This sequence change replaces arginine, which is basic and polar, with lysine, which is basic and polar, at codon 50 of the CDKN1B protein (p.Arg50Lys). This variant is present in population databases (rs771913043, gnomAD 0.008%). This variant has not been reported in the literature in individuals affected with CDKN1B-related conditions. ClinVar contains an entry for this variant (Variation ID: 485500). An algorithm developed to predict the effect of missense changes on protein structure and function (PolyPhen-2) suggests that this variant is likely to be tolerated. In summary, the available evidence is currently insufficient to determine the role of this variant in disease. Therefore, it has been classified as a Variant of Uncertain Significance.

Center for Genomic Medicine, Rigshospitalet, Copenhagen University Hospital
Classification: Uncertain significance. Last evaluated: 2025-03-04. Review status: criteria provided, single submitter. Criteria: ACMG Guidelines, 2015. Collection method: clinical testing. Allele origin: germline.

GeneDx
Classification: Uncertain significance. Last evaluated: 2024-02-25. Review status: criteria provided, single submitter. Criteria: GeneDx Variant Classification Process June 2021. Collection method: clinical testing. Allele origin: germline. Affected: yes.
Comment: Not observed at significant frequency in large population cohorts (gnomAD); In silico analysis supports that this missense variant does not alter protein structure/function; Has not been previously published as pathogenic or benign to our knowledge

Ambry Genetics
Classification: Likely benign for Hereditary cancer-predisposing syndrome. Last evaluated: 2023-06-08. Review status: criteria provided, single submitter. Criteria: Ambry Variant Classification Scheme 2023. Collection method: clinical testing. Allele origin: germline.

St. Jude Molecular Pathology, St. Jude Children's Research Hospital
Classification: Uncertain significance for Multiple endocrine neoplasia type 4. Last evaluated: 2022-11-29. Review status: criteria provided, single submitter. Criteria: St. Jude Assertion Criteria 2020. Collection method: clinical testing. Allele origin: germline.
Comment: The CDKN1B c.149G>A (p.Arg50Lys) missense change has a maximum subpopulation frequency of 0.0080% in gnomAD v2.1.1. The in silico tool REVEL predicts a benign effect on protein function, but to our knowledge this prediction has not been confirmed by functional studies. To our knowledge, this variant has not been reported in the literature in individuals with multiple endocrine neoplasia type 4. In summary, the evidence currently available is insufficient to determine the clinical significance of this variant. It has therefore been classified as of uncertain significance.